The following is an entry in ClinVar:

ClinVar aggregate classification (germline): Uncertain significance. Review status: criteria provided, multiple submitters, no conflicts (2 of 4 stars). 3 submissions from 3 submitters: Uncertain significance (3). Last evaluated 2025-04-07.

Conditions:
Hereditary cancer-predisposing syndrome. Also called: Hereditary Cancer Syndrome; Hereditary neoplastic syndrome; Neoplastic Syndromes, Hereditary; Tumor predisposition. Identifiers: Orphanet 140162, MedGen C0027672, MeSH D009386, MONDO:0015356.
Hereditary nonpolyposis colorectal neoplasms. Identifiers: MedGen C0009405, MeSH D003123.

Submissions (3):

Color Diagnostics, LLC DBA Color Health
Classification: Uncertain significance for Hereditary cancer-predisposing syndrome. Last evaluated: 2025-04-07. Review status: criteria provided, single submitter. Criteria: ACMG Guidelines, 2015. Collection method: clinical testing. Allele origin: germline.
Comment: This missense variant replaces serine with threonine at codon 144 of the MSH6 protein. Computational prediction suggests that this variant may not impact protein structure and function. To our knowledge, functional studies have not been reported for this variant. This variant has not been reported in individuals affected with MSH6-related disorders in the literature. This variant has not been identified in the general population by the Genome Aggregation Database (gnomAD). The available evidence is insufficient to determine the role of this variant in disease conclusively. Therefore, this variant is classified as a Variant of Uncertain Significance.

Labcorp Genetics (formerly Invitae), Labcorp
Classification: Uncertain significance for Hereditary nonpolyposis colorectal neoplasms. Last evaluated: 2025-03-16. Review status: criteria provided, single submitter. Criteria: Invitae Variant Classification Sherloc (09022015). Collection method: clinical testing. Allele origin: germline.
Comment: This sequence change replaces serine, which is neutral and polar, with threonine, which is neutral and polar, at codon 144 of the MSH6 protein (p.Ser144Thr). This variant is not present in population databases (gnomAD no frequency). This variant has not been reported in the literature in individuals affected with MSH6-related conditions. ClinVar contains an entry for this variant (Variation ID: 1739691). Invitae Evidence Modeling of protein sequence and biophysical properties (such as structural, functional, and spatial information, amino acid conservation, physicochemical variation, residue mobility, and thermodynamic stability) indicates that this missense variant is not expected to disrupt MSH6 protein function with a negative predictive value of 95%. In summary, the available evidence is currently insufficient to determine the role of this variant in disease. Therefore, it has been classified as a Variant of Uncertain Significance.

Ambry Genetics
Classification: Uncertain significance for Hereditary cancer-predisposing syndrome. Last evaluated: 2022-08-25. Review status: criteria provided, single submitter. Criteria: Ambry Variant Classification Scheme 2023. Collection method: clinical testing. Allele origin: germline.
Comment: The p.S144T variant (also known as c.431G>C), located in coding exon 2 of the MSH6 gene, results from a G to C substitution at nucleotide position 431. The serine at codon 144 is replaced by threonine, an amino acid with similar properties. This amino acid position is not well conserved in available vertebrate species. In addition, this alteration is predicted to be tolerated by in silico analysis. Since supporting evidence is limited at this time, the clinical significance of this alteration remains unclear.

NM_000179.3(MSH6):c.431G>C (p.Ser144Thr)

Gene: MSH6 (mutS homolog 6; plus strand). Cytogenetic location: 2p16.3.
Variant type: single nucleotide variant.
Coding change: c.431G>C on transcript NM_000179.3 (MANE Select); coding-DNA position 431, G replaced by C.
Protein change: p.Ser144Thr; replaces serine 144 with threonine.
Molecular consequence: missense variant. On other transcripts: 5 prime UTR variant (2), intron variant (1).
Genome position (GRCh38, 1-based): chr2:47,791,097, G>C. VCF-style: chr2-47791097-G-C. GRCh37 (hg19) VCF-style: chr2-48018236-G-C.
Other names: c.-306G>C (NM_001281493.2, NM_001406811.1, NM_001406823.1 and 1 more transcripts); c.-472G>C (NM_001281494.2); c.527G>C, p.Ser176Thr (NM_001406795.1, NM_001406802.1); c.431G>C, p.Ser144Thr (NM_001406796.1, NM_001406798.1, NM_001406800.1 and 6 more transcripts); c.134G>C, p.Ser45Thr (NM_001406797.1, NM_001406801.1, NM_001406805.1 and 10 more transcripts); c.353G>C, p.Ser118Thr (NM_001406804.1); c.-498G>C (NM_001406807.1); c.-564G>C (NM_001406814.1); and 2 more; short protein forms S144T, S118T, S45T, S88T, S176T.
Identifiers: ClinVar variation 1739691 (VCV001739691.8), dbSNP rs3211299, ClinGen allele CA346737157.